The following is an entry in ClinVar:

ClinVar aggregate classification (germline): Conflicting classifications of pathogenicity. Review status: criteria provided, conflicting classifications (1 of 4 stars). 3 submissions from 3 submitters: Pathogenic (1); Uncertain significance (2). Last evaluated 2026-01-13.

Conditions:
SCLT1-related disorder. Also called: SCLT1-related condition.

Allele frequency attached by ClinVar (database versions not stated): TOPMed 0.00004; ExAC 0.00013.

Submissions (3):

PreventionGenetics, part of Exact Sciences
Classification: Uncertain significance for SCLT1-related condition. Last evaluated: 2026-01-13. Review status: criteria provided, single submitter. Criteria: ACMG Guidelines, 2015. Collection method: clinical testing. Allele origin: germline.
Comment: The SCLT1 c.37C>T variant is predicted to result in premature protein termination (p.Arg13*). This variant has been reported in an individual undergoing sequencing for ciliopathy (Table S4, Vintschger et al. 2023. PubMed ID: 36550190). This variant is reported in 0.052% of alleles in individuals of East Asian descent in gnomAD. Although we suspect that this variant may be pathogenic, at this time, the clinical significance of this variant is uncertain due to the absence of conclusive functional and genetic evidence.

Labcorp Genetics (formerly Invitae), Labcorp
Classification: Pathogenic. Last evaluated: 2026-01-07. Review status: criteria provided, single submitter. Criteria: Invitae Variant Classification Sherloc (09022015). Collection method: clinical testing. Allele origin: germline.
Comment: This sequence change creates a premature translational stop signal (p.Arg13*) in the SCLT1 gene. It is expected to result in an absent or disrupted protein product. Loss-of-function variants in SCLT1 are known to be pathogenic (PMID: 28005958). This variant is present in population databases (rs201848700, gnomAD 0.06%). This variant has not been reported in the literature in individuals affected with SCLT1-related conditions. ClinVar contains an entry for this variant (Variation ID: 1456730). For these reasons, this variant has been classified as Pathogenic.

Blueprint Genetics
Classification: Uncertain significance. Last evaluated: 2024-03-15. Review status: criteria provided, single submitter. Criteria: ACMG Guidelines, 2015. Collection method: clinical testing. Allele origin: germline.

Literature cited by the submitters: PubMed 28005958 (cited by Labcorp Genetics (formerly Invitae), Labcorp).

NM_144643.4(SCLT1):c.37C>T (p.Arg13Ter)

Gene: SCLT1 (sodium channel and clathrin linker 1; minus strand). Cytogenetic location: 4q28.2.
Variant type: single nucleotide variant.
Coding change: c.37C>T on transcript NM_144643.4 (MANE Select); coding-DNA position 37, C replaced by T.
Protein change: p.Arg13Ter; replaces arginine 13 with a stop codon.
Molecular consequence: nonsense.
Genome position (GRCh38, 1-based): chr4:129,082,371, G>A on the plus strand (C>T on the coding strand, the complement: SCLT1 is on the minus strand). VCF-style: chr4-129082371-G-A. GRCh37 (hg19) VCF-style: chr4-130003526-G-A.
Other names: c.37C>T (NM_144643.3); c.37C>T, p.Arg13Ter (NM_001300897.2, NM_001300898.2); short protein forms R13*.
Identifiers: ClinVar variation 1456730 (VCV001456730.8), dbSNP rs201848700, ClinGen allele CA3080100.